The following is an entry in ClinVar:

ClinVar aggregate classification (germline): Conflicting classifications of pathogenicity. Review status: criteria provided, conflicting classifications (1 of 4 stars). 6 submissions from 6 submitters: Uncertain significance (1); Likely benign (4). 1 of the submissions does not count toward it. Last evaluated 2026-01-11.

Conditions:
LAMA2-related muscular dystrophy (LAMA2-RD). Also called: Laminin alpha 2-related dystrophy. Identifiers: MedGen C5679788, MONDO:0100228.
Congenital muscular dystrophy due to partial LAMA2 deficiency. Identifiers: MedGen C1842898.
Merosin deficient congenital muscular dystrophy (MDC1A). Also called: Congenital merosin-deficient muscular dystrophy 1A; Congenital Muscular Dystrophy Type 1A (MDC1A). Identifiers: Orphanet 258, MedGen C1263858, MONDO:0011925, OMIM 607855.

Allele frequency attached by ClinVar (database versions not stated): gnomAD exomes 0.00012 and 0.00050; gnomAD 0.00017 and 0.00025; TOPMed 0.00022; ExAC 0.00037; 1000 Genomes Project 30x 0.00156; 1000 Genomes Project 0.00160.
gnomAD v4.1: 213 of 1,586,768 alleles (0.013%); highest among the groups gnomAD compares: East Asian, 0.41%; no homozygotes.

Submissions (6):

Labcorp Genetics (formerly Invitae), Labcorp
Classification: Likely benign for LAMA2-related muscular dystrophy. Last evaluated: 2026-01-11. Review status: criteria provided, single submitter. Criteria: Invitae Variant Classification Sherloc (09022015). Collection method: clinical testing. Allele origin: germline.

Blueprint Genetics
Classification: Likely benign. Last evaluated: 2024-10-15. Review status: criteria provided, single submitter. Criteria: ACMG Guidelines, 2015. Collection method: clinical testing. Allele origin: germline.

GeneDx
Classification: Likely benign. Last evaluated: 2019-02-21. Review status: criteria provided, single submitter. Criteria: GeneDx Variant Classification Process June 2021. Collection method: clinical testing. Allele origin: germline. Affected: yes.
Comment: See Variant Classification Assertion Criteria.

Illumina Laboratory Services, Illumina
Classification: Uncertain significance for Congenital muscular dystrophy due to partial LAMA2 deficiency. Last evaluated: 2018-01-12. Review status: criteria provided, single submitter. Criteria: ICSL Variant Classification Criteria 13 December 2019. Collection method: clinical testing. Allele origin: germline.

PreventionGenetics, part of Exact Sciences
Classification: Likely benign. Review status: criteria provided, single submitter. Criteria: ACMG Guidelines, 2015. Collection method: clinical testing. Allele origin: germline.

Counsyl
Classification: Uncertain significance for Merosin deficient congenital muscular dystrophy. Last evaluated: 2017-10-06. Review status: no assertion criteria provided. Collection method: clinical testing. Allele origin: unknown. Not counted in ClinVar's aggregate classification.

Literature cited by the submitters: PubMed 28182637 (cited by Counsyl).

NM_000426.4(LAMA2):c.8989-12C>G

Gene: LAMA2 (laminin subunit alpha 2; plus strand). Cytogenetic location: 6q22.33.
Variant type: single nucleotide variant.
Coding change: c.8989-12C>G on transcript NM_000426.4 (MANE Select); 12 bases into the intron before coding-DNA position 8989, C replaced by G.
Molecular consequence: intron variant.
Genome position (GRCh38, 1-based): chr6:129,514,361, C>G. VCF-style: chr6-129514361-C-G. GRCh37 (hg19) VCF-style: chr6-129835506-C-G.
Other names: c.8977-12C>G (NM_001079823.2).
Identifiers: ClinVar variation 256092 (VCV000256092.17), dbSNP rs144860334, ClinGen allele CA3995006.
Genomic context (GRCh38, chr6:129,514,361, plus strand): 5'-TTTGTATGTGTGAACCATCATGATACTTCTTTAATGAAACCATCTGTGACTGTTCTATTT[C>G]CTACTTTCCAGTTGATGTTTCATGTGGACAATGGTGCGGGCAGATTCACTGCTGTCTATG-3'